The following is an entry in ClinVar:

NM_002700.3(POU4F3):c.24G>A (p.Gln8=)

Genes: POU4F3 (POU class 4 homeobox 3; plus strand), RBM27-POU4F3 (RBM27-POU4F3 readthrough; plus strand). Cytogenetic location: 5q32.
Variant type: single nucleotide variant.
Coding change: c.24G>A on transcript NM_002700.3 (MANE Select); coding-DNA position 24, G replaced by A.
Protein change: p.Gln8=; no amino-acid change (glutamine 8 retained).
Molecular consequence: synonymous variant.
Genome position (GRCh38, 1-based): chr5:146,339,136, G>A. VCF-style: chr5-146339136-G-A. GRCh37 (hg19) VCF-style: chr5-145718699-G-A.
Identifiers: ClinVar variation 907694 (VCV000907694.9), dbSNP rs764308870, ClinGen allele CA3491012.

ClinVar aggregate classification (germline): Conflicting classifications of pathogenicity. Review status: criteria provided, conflicting classifications (1 of 4 stars). 3 submissions from 3 submitters: Uncertain significance (2); Likely benign (1). Last evaluated 2026-06-01.

Conditions:
Autosomal dominant nonsyndromic hearing loss 15 (DFNA15). Also called: DEAFNESS, AUTOSOMAL DOMINANT 52; Autosomal dominant nonsyndromic hearing loss 52. Identifiers: Orphanet 90635, MedGen C1865366, MONDO:0011226, OMIM 602459.

Allele frequency attached by ClinVar (database versions not stated): gnomAD exomes 0.00004 and 0.00008; TOPMed 0.00004; gnomAD 0.00006 and 0.00007; ExAC 0.00008.

Submissions (3):

CeGaT Center for Human Genetics Tuebingen
Classification: Uncertain significance. Last evaluated: 2026-06-01. Review status: criteria provided, single submitter. Criteria: CeGaT Center For Human Genetics Tuebingen Variant Classification Criteria Version 2. Collection method: clinical testing. Allele origin: germline. Affected: yes. Observed: 1 variant allele.
Comment: POU4F3: PM2:Supporting, BP4

Labcorp Genetics (formerly Invitae), Labcorp
Classification: Likely benign. Last evaluated: 2023-04-03. Review status: criteria provided, single submitter. Criteria: Invitae Variant Classification Sherloc (09022015). Collection method: clinical testing. Allele origin: germline.

Illumina Laboratory Services, Illumina
Classification: Uncertain significance for Autosomal dominant nonsyndromic hearing loss 15. Last evaluated: 2018-01-13. Review status: criteria provided, single submitter. Criteria: ICSL Variant Classification Criteria 13 December 2019. Collection method: clinical testing. Allele origin: germline.